The following is an entry in ClinVar:

ClinVar aggregate classification (germline): Conflicting classifications of pathogenicity. Review status: criteria provided, conflicting classifications (1 of 4 stars). 4 submissions from 4 submitters: Uncertain significance (3); Likely benign (1). Last evaluated 2025-12-08.

Conditions:
Gastrointestinal stromal tumor. Also called: Gastrointestinal stroma tumor; Gastrointestinal stromal tumor, somatic. Identifiers: Orphanet 44890, MedGen C0238198, MeSH D046152, MONDO:0011719, OMIM 606764, HP:0100723.
Hereditary cancer-predisposing syndrome. Also called: Neoplastic Syndromes, Hereditary; Hereditary Cancer Syndrome; Hereditary neoplastic syndrome; Tumor predisposition. Identifiers: Orphanet 140162, MedGen C0027672, MeSH D009386, MONDO:0015356.

Allele frequency attached by ClinVar (database versions not stated): TOPMed 0.00003; gnomAD exomes 0.00004 and 0.00003; ExAC 0.00006; gnomAD 0.00001; 1000 Genomes Project 30x 0.00016; 1000 Genomes Project 0.00020.
gnomAD v4.1: 52 of 1,613,686 alleles (0.0032%); highest among the groups gnomAD compares: East Asian, 0.11%; no homozygotes.

Submissions (4):

Labcorp Genetics (formerly Invitae), Labcorp
Classification: Uncertain significance for Gastrointestinal stromal tumor. Last evaluated: 2025-12-08. Review status: criteria provided, single submitter. Criteria: Invitae Variant Classification Sherloc (09022015). Collection method: clinical testing. Allele origin: germline.
Comment: This sequence change replaces aspartic acid, which is acidic and polar, with tyrosine, which is neutral and polar, at codon 910 of the KIT protein (p.Asp910Tyr). This variant is present in population databases (rs190512512, gnomAD 0.06%). This missense change has been observed in individual(s) with transient leukemia (PMID: 18830255). ClinVar contains an entry for this variant (Variation ID: 409745). An algorithm developed to predict the effect of missense changes on protein structure and function (PolyPhen-2) suggests that this variant is likely to be disruptive. Experimental studies have shown that this missense change does not substantially affect KIT function (PMID: 18830255). In summary, the available evidence is currently insufficient to determine the role of this variant in disease. Therefore, it has been classified as a Variant of Uncertain Significance.

Ambry Genetics
Classification: Likely benign for Hereditary cancer-predisposing syndrome. Last evaluated: 2024-07-08. Review status: criteria provided, single submitter. Criteria: Ambry Variant Classification Scheme 2023. Collection method: clinical testing. Allele origin: germline.

Baylor Genetics
Classification: Uncertain significance for Gastrointestinal stromal tumor. Last evaluated: 2024-03-29. Review status: criteria provided, single submitter. Criteria: ACMG Guidelines, 2015. Collection method: clinical testing. Allele origin: unknown.

GeneDx
Classification: Uncertain significance. Last evaluated: 2023-09-27. Review status: criteria provided, single submitter. Criteria: GeneDx Variant Classification Process June 2021. Collection method: clinical testing. Allele origin: germline. Affected: yes.
Comment: In silico analysis supports that this missense variant has a deleterious effect on protein structure/function; Observed in a child with transient leukemia and mosaic Down syndrome (PMID: 18830255); Published functional studies suggest no damaging effect: no significant change in cell growth or effect on sensitivity to imatinib (PMID: 18830255); This variant is associated with the following publications: (PMID: 25550846, 18830255)

Literature cited by the submitters: PubMed 18830255 (cited by Labcorp Genetics (formerly Invitae), Labcorp).

NM_000222.3(KIT):c.2728G>T (p.Asp910Tyr)

Gene: KIT (KIT proto-oncogene, receptor tyrosine kinase; plus strand). Cytogenetic location: 4q12.
Variant type: single nucleotide variant.
Coding change: c.2728G>T on transcript NM_000222.3 (MANE Select); coding-DNA position 2728, G replaced by T.
Protein change: p.Asp910Tyr; replaces aspartic acid 910 with tyrosine.
Molecular consequence: missense variant.
Genome position (GRCh38, 1-based): chr4:54,737,206, G>T. VCF-style: chr4-54737206-G-T. GRCh37 (hg19) VCF-style: chr4-55603372-G-T.
Other names: c.2716G>T, p.Asp906Tyr (NM_001093772.2, NM_001385292.1); c.2731G>T, p.Asp911Tyr (NM_001385284.1); c.2725G>T, p.Asp909Tyr (NM_001385285.1); c.2713G>T, p.Asp905Tyr (NM_001385286.1); c.2719G>T, p.Asp907Tyr (NM_001385288.1); c.2728G>T, p.Asp910Tyr (NM_001385290.1); short protein forms D910Y, D906Y, D905Y, D907Y, D909Y, D911Y.
Identifiers: ClinVar variation 409745 (VCV000409745.15), dbSNP rs190512512, ClinGen allele CA2923843.